The following is an entry in ClinVar:

ClinVar aggregate classification (germline): Uncertain significance (1 of 4 stars; one submission).

Conditions:
Inborn genetic diseases. Identifiers: MedGen C0950123, MeSH D030342.

gnomAD v4.1: 4 of 1,613,754 alleles (0.00025%); highest among the groups gnomAD compares: South Asian, 0.0022%; no homozygotes.

Submission:

Ambry Genetics
Classification: Uncertain significance for Inborn genetic diseases. Last evaluated: 2025-07-10. Review status: criteria provided, single submitter. Criteria: Ambry Variant Classification Scheme 2023. Collection method: clinical testing. Allele origin: germline.
Comment: The p.Q677R variant (also known as c.2030A>G), located in coding exon 20 of the ANKRD26 gene, results from an A to G substitution at nucleotide position 2030. The glutamine at codon 677 is replaced by arginine, an amino acid with highly similar properties. This amino acid position is conserved. In addition, this alteration is predicted to be tolerated by in silico analysis. Based on the available evidence, the clinical significance of this variant remains unclear.

NM_014915.3(ANKRD26):c.2030A>G (p.Gln677Arg)

Gene: ANKRD26 (ankyrin repeat domain containing 26; minus strand). Cytogenetic location: 10p12.1.
Variant type: single nucleotide variant.
Coding change: c.2030A>G on transcript NM_014915.3 (MANE Select); coding-DNA position 2030, A replaced by G.
Protein change: p.Gln677Arg; replaces glutamine 677 with arginine.
Molecular consequence: missense variant.
Genome position (GRCh38, 1-based): chr10:27,043,557, T>C on the plus strand (A>G on the coding strand, the complement: ANKRD26 is on the minus strand). VCF-style: chr10-27043557-T-C. GRCh37 (hg19) VCF-style: chr10-27332486-T-C.
Other names: c.2027A>G, p.Gln676Arg (NM_001256053.2); short protein forms Q677R, Q676R.
Identifiers: ClinVar variation 4103434 (VCV004103434.1).
Genomic context (GRCh38, chr10:27,043,557, plus strand): 5'-TCCTCTGAGGCTGTTTCAGATGACTGAGTTAAGTCATCAACATCATCCATAGACTGTATT[T>C]GGTTTTTGACCTATGAAATAAATAACACTGTTTCAAAATGTCCCCAGAATATTTATAGCA-3'
Protein context (NP_055730.2, residues 667-687): TSNEKNKVKN[Gln677Arg]IQSMDDVDDL